The following is an entry in ClinVar:

NM_005751.5(AKAP9):c.6507+6G>A

Gene: AKAP9 (A-kinase anchoring protein 9; plus strand). Cytogenetic location: 7q21.2.
Variant type: single nucleotide variant.
Coding change: c.6507+6G>A on transcript NM_005751.5 (MANE Select); 6 bases into the intron after coding-DNA position 6507, G replaced by A.
Molecular consequence: intron variant.
Genome position (GRCh38, 1-based): chr7:92,070,212, G>A. VCF-style: chr7-92070212-G-A. GRCh37 (hg19) VCF-style: chr7-91699526-G-A.
Other names: c.6483+30G>A (NM_147185.3); c.1152+6G>A (NM_001379277.1).
Identifiers: ClinVar variation 1417739 (VCV001417739.6), dbSNP rs140872685, ClinGen allele CA161917854.
Genomic context (GRCh38, chr7:92,070,212, plus strand): 5'-CAGAGTAAGAGAACTGGAGCAGGCGCTTCTTGTGAGTGCAGATACTTTTCAAAAGGTGTG[G>A]CATTTTATTTGGGCTAACTTAATAAGTGTTTTAATGAAGAATACTCTTAAATTGTCAACT-3'

ClinVar aggregate classification (germline): Uncertain significance (1 of 4 stars; one submission).

Conditions:
Long QT syndrome (LQTS). Identifiers: MedGen C0023976, MeSH D008133, MONDO:0002442. Disease mechanism: loss of function. Inheritance: Various modes of inheritance.

Allele frequency attached by ClinVar (database versions not stated): 1000 Genomes Project 30x 0.00016.
gnomAD v4.1: 3 of 1,613,752 alleles (0.00019%); highest among the groups gnomAD compares: Non-Finnish European, 0.00017%; no homozygotes.

Submission:

Labcorp Genetics (formerly Invitae), Labcorp
Classification: Uncertain significance for Long QT syndrome. Last evaluated: 2021-07-28. Review status: criteria provided, single submitter. Criteria: Invitae Variant Classification Sherloc (09022015). Collection method: clinical testing. Allele origin: germline.
Comment: In summary, the available evidence is currently insufficient to determine the role of this variant in disease. Therefore, it has been classified as a Variant of Uncertain Significance. Nucleotide substitutions within the consensus splice site are a relatively common cause of aberrant splicing (PMID: 17576681, 9536098). Algorithms developed to predict the effect of sequence changes on RNA splicing suggest that this variant is not likely to affect RNA splicing. This variant has not been reported in the literature in individuals affected with AKAP9-related conditions. This variant is not present in population databases (ExAC no frequency). This sequence change falls in intron 27 of the AKAP9 gene. It does not directly change the encoded amino acid sequence of the AKAP9 protein. It affects a nucleotide within the consensus splice site of the intron.

Literature cited by the submitters: PubMed 17576681; PubMed 9536098.